The following is an entry in ClinVar:

ClinVar aggregate classification (germline): Uncertain significance (1 of 4 stars; one submission).

Conditions:
Maturity-onset diabetes of the young type 8 (MODY8). Also called: DIABETES-PANCREATIC EXOCRINE DYSFUNCTION SYNDROME; DIABETES AND PANCREATIC EXOCRINE DYSFUNCTION. Identifiers: Orphanet 552, MedGen C1853297, MONDO:0012348, OMIM 609812.

Submission:

Diagnostics Services (NGS), CSIR - Centre For Cellular And Molecular Biology
Classification: Uncertain significance for Maturity-onset diabetes of the young type 8. Last evaluated: 2025-04-09. Review status: criteria provided, single submitter. Criteria: ACMG Guidelines, 2015. Collection method: clinical testing. Allele origin: unknown. Affected: yes. Observed: 1 variant allele, 1 heterozygote.
Comment: The c.2154_2163del variant is not present in publicly available population databases like 1000 Genomes, EVS, Indian Exome Database or our internal database. The variant is present in gnomAD at low frequencies. This variant has neither been published in the literature for CEL-related conditions nor reported to clinical databases like Human Genome Mutation database (HGMD), OMIM, or ClinVar in any affected individuals. In-silico pathogenicity prediction programs like MutationTaster2021, CADD, Varsome etc predicted this variant to be likely deleterious however these predictions were not confirmed by any published functional studies. This variant is located at the last exon of the gene which causes frameshift at the 719th amino acid position of the wild-type transcript which creates a translational stop-signal at the same position that alters the last 35 amino acid sequence of the protein and is not predicted to cause nonsense mediated decay of the mRNA.

NM_001807.6(CEL):c.2154_2163del (p.Asp719fs)

Gene: CEL (carboxyl ester lipase; plus strand). Cytogenetic location: 9q34.13.
Variant type: Deletion.
Coding change: c.2154_2163del on transcript NM_001807.6 (MANE Select); coding-DNA positions 2154 to 2163, 10 bases deleted (TGACTCCGGG; older notation c.2154_2163delTGACTCCGGG).
Protein change: p.Asp719fs; shifts the reading frame from aspartic acid 719.
Molecular consequence: frameshift variant.
Genome position (GRCh38, 1-based): chr9:133,071,656-133,071,665, TGACTCCGGG deleted; deleting any 10 consecutive bases within chr9:133,071,652-133,071,665 gives the same sequence; the c. name uses the placement nearest the transcript's 3' end. VCF-style (leftmost placement, unchanged base first): chr9-133071651-ACGGGTGACTC-A. GRCh37 (hg19) VCF-style: chr9-135947038-ACGGGTGACTC-A.
Other names: short protein forms D719fs.
Identifiers: ClinVar variation 3893284 (VCV003893284.1).